The following is an entry in ClinVar:

NM_012309.5(SHANK2):c.5225G>T (p.Ser1742Ile)

Gene: SHANK2 (SH3 and multiple ankyrin repeat domains 2; minus strand). Cytogenetic location: 11q13.3.
Variant type: single nucleotide variant.
Coding change: c.5225G>T on transcript NM_012309.5 (MANE Select); coding-DNA position 5225, G replaced by T.
Protein change: p.Ser1742Ile; replaces serine 1742 with isoleucine.
Molecular consequence: missense variant. On other transcripts: non-coding transcript variant (1).
Genome position (GRCh38, 1-based): chr11:70,473,194, C>A on the plus strand (G>T on the coding strand, the complement: SHANK2 is on the minus strand). VCF-style: chr11-70473194-C-A. GRCh37 (hg19) VCF-style: chr11-70319299-C-A.
Other names: c.4088G>T, p.Ser1363Ile (NM_001379226.1); c.3461G>T, p.Ser1154Ile (NM_133266.5); short protein forms S1154I, S1363I, S1742I.
Identifiers: ClinVar variation 2628517 (VCV002628517.1), dbSNP rs1555149133, ClinGen allele CA381676069.
Genomic context (GRCh38, chr11:70,473,194, plus strand): 5'-CTACTGCGTCCCGCTGGGTTCAAGCCAAATAGATCCCCAGAAGGGGGCTGGCTTGGAAGG[C>A]TAAAGACATCTGAGAGAGCGGGAGAAGGAGAGGCGGTGGCAGCAGACAGGGGGGCGGGCA-3'
Protein context (NP_036441.2, residues 1732-1752): SPSPALSDVF[Ser1742Ile]LPSQPPSGDL

ClinVar aggregate classification (germline): Uncertain significance (1 of 4 stars; one submission).

Conditions:
SHANK2-related disorder.

Allele frequency attached by ClinVar (database versions not stated): gnomAD exomes below 0.00001; TOPMed below 0.00001.
gnomAD v4.1: 2 of 1,612,604 alleles (0.00012%); highest among the groups gnomAD compares: Non-Finnish European, 0.00017%; no homozygotes.

Submission:

PreventionGenetics, part of Exact Sciences
Classification: Uncertain significance for SHANK2-related condition. Last evaluated: 2022-11-10. Review status: criteria provided, single submitter. Criteria: ACMG Guidelines, 2015. Collection method: clinical testing. Allele origin: germline.
Comment: The SHANK2 c.5225G>T variant is predicted to result in the amino acid substitution p.Ser1742Ile. To our knowledge, this variant has not been reported in the literature. This variant is reported in 0.00088% of alleles in individuals of European (Non-Finnish) descent in gnomAD. At this time, the clinical significance of this variant is uncertain due to the absence of conclusive functional and genetic evidence.